The following is an entry in ClinVar:

NM_025114.4(CEP290):c.3608T>C (p.Leu1203Ser)

Gene: CEP290 (centrosomal protein 290; minus strand). Cytogenetic location: 12q21.32.
Variant type: single nucleotide variant.
Coding change: c.3608T>C on transcript NM_025114.4 (MANE Select); coding-DNA position 3608, T replaced by C.
Protein change: p.Leu1203Ser; replaces leucine 1203 with serine.
Molecular consequence: missense variant.
Genome position (GRCh38, 1-based): chr12:88,089,453, A>G on the plus strand (T>C on the coding strand, the complement: CEP290 is on the minus strand). VCF-style: chr12-88089453-A-G. GRCh37 (hg19) VCF-style: chr12-88483230-A-G.
Other names: short protein forms L1203S.
Identifiers: ClinVar variation 2313969 (VCV002313969.4), dbSNP rs2500119679, ClinGen allele CA386001220.

ClinVar aggregate classification (germline): Uncertain significance. Review status: criteria provided, multiple submitters, no conflicts (2 of 4 stars). 3 submissions from 3 submitters: Uncertain significance (3). Last evaluated 2026-04-27.

Conditions:
CEP290-related disorder. Also called: CEP290-related disorders; CEP290-related condition. Identifiers: MedGen CN239314.
Inborn genetic diseases. Identifiers: MedGen C0950123, MeSH D030342.

Submissions (3):

Women's Health and Genetics/Laboratory Corporation of America, LabCorp
Classification: Uncertain significance. Last evaluated: 2026-04-27. Review status: criteria provided, single submitter. Criteria: LabCorp Variant Classification Summary - May 2015. Collection method: clinical testing. Allele origin: germline.
Comment: Variant summary: CEP290 c.3608T>C (p.Leu1203Ser) results in a non-conservative amino acid change in the encoded protein sequence. Algorithms developed to predict the effect of missense changes on protein structure and function all suggest that this variant is likely to be disruptive. The variant was absent in 199796 control chromosomes. The available data on variant occurrences in the general population are insufficient to allow any conclusion about variant significance. To our knowledge, no occurrence of c.3608T>C in individuals affected with CEP290-related conditions and no experimental evidence demonstrating its impact on protein function have been reported. ClinVar contains an entry for this variant (Variation ID: 2313969). Based on the evidence outlined above, the variant was classified as uncertain significance.

PreventionGenetics, part of Exact Sciences
Classification: Uncertain significance for CEP290-related condition. Last evaluated: 2026-04-25. Review status: criteria provided, single submitter. Criteria: ACMG Guidelines, 2015. Collection method: clinical testing. Allele origin: germline.
Comment: The CEP290 c.3608T>C variant is predicted to result in the amino acid substitution p.Leu1203Ser. To our knowledge, this variant has not been reported in the literature or in a large population database (gnomAD), indicating this variant is rare. At this time, the clinical significance of this variant is uncertain due to the absence of conclusive functional and genetic evidence.

Ambry Genetics
Classification: Uncertain significance for Inborn genetic diseases. Last evaluated: 2022-09-27. Review status: criteria provided, single submitter. Criteria: Ambry Variant Classification Scheme 2023. Collection method: clinical testing. Allele origin: germline.